The following is an entry in ClinVar:

ClinVar aggregate classification (germline): Uncertain significance (1 of 4 stars; one submission).

Submission:

Labcorp Genetics (formerly Invitae), Labcorp
Classification: Uncertain significance. Last evaluated: 2023-05-08. Review status: criteria provided, single submitter. Criteria: Invitae Variant Classification Sherloc (09022015). Collection method: clinical testing. Allele origin: germline.
Comment: ClinVar contains an entry for this variant (Variation ID: 837246). In summary, the available evidence is currently insufficient to determine the role of this variant in disease. Therefore, it has been classified as a Variant of Uncertain Significance. Advanced modeling of protein sequence and biophysical properties (such as structural, functional, and spatial information, amino acid conservation, physicochemical variation, residue mobility, and thermodynamic stability) performed at Invitae indicates that this missense variant is not expected to disrupt ABHD12 protein function. This variant has not been reported in the literature in individuals affected with ABHD12-related conditions. This variant is not present in population databases (gnomAD no frequency). This sequence change replaces cysteine, which is neutral and slightly polar, with tyrosine, which is neutral and polar, at codon 78 of the ABHD12 protein (p.Cys78Tyr).

NM_001042472.3(ABHD12):c.233G>A (p.Cys78Tyr)

Gene: ABHD12 (abhydrolase domain containing 12, lysophospholipase; minus strand). Cytogenetic location: 20p11.21.
Variant type: single nucleotide variant.
Coding change: c.233G>A on transcript NM_001042472.3 (MANE Select); coding-DNA position 233, G replaced by A.
Protein change: p.Cys78Tyr; replaces cysteine 78 with tyrosine.
Molecular consequence: missense variant.
Genome position (GRCh38, 1-based): chr20:25,339,310, C>T on the plus strand (G>A on the coding strand, the complement: ABHD12 is on the minus strand). VCF-style: chr20-25339310-C-T. GRCh37 (hg19) VCF-style: chr20-25319946-C-T.
Other names: c.233G>A, p.Cys78Tyr (NM_015600.5); short protein forms C78Y.
Identifiers: ClinVar variation 837246 (VCV000837246.11), dbSNP rs901706465, ClinGen allele CA313686390.
Genomic context (GRCh38, chr20:25,339,310, plus strand): 5'-GCCTGTATTCCAGGACATAGTTTGATGAGAAATGGAATGGCAATGTACAACCCCAAAACA[C>T]AGAAAAGTATCTTCCTCAGGCGCAACCACACGCCCTTTCGCCTGCAAGAGAAAAGCAATG-3'
Protein context (NP_001035937.1, residues 68-88): VWLRLRKILF[Cys78Tyr]VLGLYIAIPF